The following is an entry in ClinVar:

ClinVar aggregate classification (germline): Uncertain significance (1 of 4 stars; one submission).

Submission:

Labcorp Genetics (formerly Invitae), Labcorp
Classification: Uncertain significance. Last evaluated: 2025-12-15. Review status: criteria provided, single submitter. Criteria: Invitae Variant Classification Sherloc (09022015). Collection method: clinical testing. Allele origin: germline.
Comment: This sequence change replaces arginine, which is basic and polar, with glutamine, which is neutral and polar, at codon 391 of the ACTN1 protein (p.Arg391Gln). This variant is present in population databases (rs749845675, gnomAD 0.008%). This variant has not been reported in the literature in individuals affected with ACTN1-related conditions. Invitae Evidence Modeling of protein sequence and biophysical properties (such as structural, functional, and spatial information, amino acid conservation, physicochemical variation, residue mobility, and thermodynamic stability) indicates that this missense variant is not expected to disrupt ACTN1 protein function with a negative predictive value of 80%. In summary, the available evidence is currently insufficient to determine the role of this variant in disease. Therefore, it has been classified as a Variant of Uncertain Significance.

NM_001130004.2(ACTN1):c.1172G>A (p.Arg391Gln)

Gene: ACTN1 (actinin alpha 1; minus strand). Cytogenetic location: 14q24.1.
Variant type: single nucleotide variant.
Coding change: c.1172G>A on transcript NM_001130004.2 (MANE Select); coding-DNA position 1172, G replaced by A.
Protein change: p.Arg391Gln; replaces arginine 391 with glutamine.
Molecular consequence: missense variant.
Genome position (GRCh38, 1-based): chr14:68,890,201, C>T on the plus strand (G>A on the coding strand, the complement: ACTN1 is on the minus strand). VCF-style: chr14-68890201-C-T. GRCh37 (hg19) VCF-style: chr14-69356918-C-T.
Other names: c.1172G>A, p.Arg391Gln (NM_001102.4, NM_001130005.2, NM_001411035.1 and 9 more transcripts); c.977G>A, p.Arg326Gln (NM_001411036.1, NM_001424026.1, NM_001424028.1); c.1298G>A, p.Arg433Gln (NM_001424013.1); c.1259G>A, p.Arg420Gln (NM_001424015.1); c.1169G>A, p.Arg390Gln (NM_001424017.1); c.1109G>A, p.Arg370Gln (NM_001424018.1, NM_001424020.1, NM_001424022.1); c.1103G>A, p.Arg368Gln (NM_001424021.1); c.347G>A, p.Arg116Gln (NM_001424030.1); short protein forms R368Q, R116Q, R326Q, R370Q, R433Q, R390Q, R391Q, R420Q.
Identifiers: ClinVar variation 4752036 (VCV004752036.1).